The following is an entry in ClinVar:

NM_000046.5(ARSB):c.806T>C (p.Met269Thr)

Gene: ARSB (arylsulfatase B; minus strand). Cytogenetic location: 5q14.1.
Variant type: single nucleotide variant.
Coding change: c.806T>C on transcript NM_000046.5 (MANE Select); coding-DNA position 806, T replaced by C.
Protein change: p.Met269Thr; replaces methionine 269 with threonine.
Molecular consequence: missense variant.
Genome position (GRCh38, 1-based): chr5:78,955,387, A>G on the plus strand (T>C on the coding strand, the complement: ARSB is on the minus strand). VCF-style: chr5-78955387-A-G. GRCh37 (hg19) VCF-style: chr5-78251210-A-G.
Other names: c.806T>C, p.Met269Thr (NM_198709.3); short protein forms M269T.
Identifiers: ClinVar variation 2012234 (VCV002012234.4), dbSNP rs2479694717, ClinGen allele CA360192088.

ClinVar aggregate classification (germline): Uncertain significance (1 of 4 stars; one submission).

Conditions:
Mucopolysaccharidosis type 6 (MPS6). Also called: MPS VI; MPS 6; Maroteaux Lamy syndrome; N-ACETYLGALACTOSAMINE-4-SULFATASE DEFICIENCY; ARSB DEFICIENCY; ARYLSULFATASE B DEFICIENCY. Identifiers: Orphanet 583, MedGen C0026709, MONDO:0009661, OMIM 253200.

Submission:

Labcorp Genetics (formerly Invitae), Labcorp
Classification: Uncertain significance for Mucopolysaccharidosis type 6. Last evaluated: 2022-07-30. Review status: criteria provided, single submitter. Criteria: Invitae Variant Classification Sherloc (09022015). Collection method: clinical testing. Allele origin: germline.
Comment: In summary, the available evidence is currently insufficient to determine the role of this variant in disease. Therefore, it has been classified as a Variant of Uncertain Significance. Advanced modeling of protein sequence and biophysical properties (such as structural, functional, and spatial information, amino acid conservation, physicochemical variation, residue mobility, and thermodynamic stability) performed at Invitae indicates that this missense variant is expected to disrupt ARSB protein function. This variant has not been reported in the literature in individuals affected with ARSB-related conditions. This variant is not present in population databases (gnomAD no frequency). This sequence change replaces methionine, which is neutral and non-polar, with threonine, which is neutral and polar, at codon 269 of the ARSB protein (p.Met269Thr).